The following is an entry in ClinVar:

ClinVar aggregate classification (germline): Uncertain significance (1 of 4 stars; one submission).

Conditions:
Hypertrophic cardiomyopathy. Also called: HYPERTROPHIC MYOCARDIOPATHY. Identifiers: Orphanet 217569, MedGen C0007194, MeSH D002312, MONDO:0005045, HP:0001639.

Allele frequency attached by ClinVar (database versions not stated): gnomAD exomes below 0.00001; TOPMed below 0.00001; gnomAD 0.00001.
gnomAD v4.1: 5 of 1,395,260 alleles (0.00036%); highest among the groups gnomAD compares: Non-Finnish European, 0.00046%; no homozygotes.

Submission:

Labcorp Genetics (formerly Invitae), Labcorp
Classification: Uncertain significance for Hypertrophic cardiomyopathy. Last evaluated: 2025-12-01. Review status: criteria provided, single submitter. Criteria: Invitae Variant Classification Sherloc (09022015). Collection method: clinical testing. Allele origin: germline.
Comment: This sequence change replaces proline, which is neutral and non-polar, with glutamine, which is neutral and polar, at codon 487 of the JPH2 protein (p.Pro487Gln). This variant is not present in population databases (gnomAD no frequency). This variant has not been reported in the literature in individuals affected with JPH2-related conditions. ClinVar contains an entry for this variant (Variation ID: 1061343). An algorithm developed to predict the effect of missense changes on protein structure and function (PolyPhen-2) suggests that this variant is likely to be disruptive. In summary, the available evidence is currently insufficient to determine the role of this variant in disease. Therefore, it has been classified as a Variant of Uncertain Significance.

NM_020433.5(JPH2):c.1460C>A (p.Pro487Gln)

Gene: JPH2 (junctophilin 2; minus strand). Cytogenetic location: 20q13.12.
Variant type: single nucleotide variant.
Coding change: c.1460C>A on transcript NM_020433.5 (MANE Select); coding-DNA position 1460, C replaced by A.
Protein change: p.Pro487Gln; replaces proline 487 with glutamine.
Molecular consequence: missense variant.
Genome position (GRCh38, 1-based): chr20:44,116,215, G>T on the plus strand (C>A on the coding strand, the complement: JPH2 is on the minus strand). VCF-style: chr20-44116215-G-T. GRCh37 (hg19) VCF-style: chr20-42744855-G-T.
Other names: short protein forms P487Q.
Identifiers: ClinVar variation 1061343 (VCV001061343.9), dbSNP rs1413584228, ClinGen allele CA409100582.